The following is an entry in ClinVar:

ClinVar aggregate classification (germline): Uncertain significance (1 of 4 stars; one submission).

Conditions:
Myoclonic dystonia 11 (DYT11). Also called: Myoclonic dystonia; Dystonia 11; Dystonia, alcohol responsive; Hereditary essential myoclonus; SGCE Myoclonus-Dystonia; Myoclonus-Dystonia. Identifiers: Orphanet 36899, MedGen C1834570, MONDO:0008044, OMIM 159900.

Submission:

Labcorp Genetics (formerly Invitae), Labcorp
Classification: Uncertain significance for Myoclonic dystonia 11. Last evaluated: 2024-11-27. Review status: criteria provided, single submitter. Criteria: Invitae Variant Classification Sherloc (09022015). Collection method: clinical testing. Allele origin: germline.
Comment: This sequence change replaces alanine, which is neutral and non-polar, with glycine, which is neutral and non-polar, at codon 186 of the SGCE protein (p.Ala186Gly). This variant is not present in population databases (gnomAD no frequency). This variant has not been reported in the literature in individuals affected with SGCE-related conditions. ClinVar contains an entry for this variant (Variation ID: 2910239). Invitae Evidence Modeling of protein sequence and biophysical properties (such as structural, functional, and spatial information, amino acid conservation, physicochemical variation, residue mobility, and thermodynamic stability) indicates that this missense variant is not expected to disrupt SGCE protein function with a negative predictive value of 80%. In summary, the available evidence is currently insufficient to determine the role of this variant in disease. Therefore, it has been classified as a Variant of Uncertain Significance.

NM_003919.3(SGCE):c.557C>G (p.Ala186Gly)

Genes: CASD1 (CAS1 domain sialic acid O acetyltransferase 1; plus strand), SGCE (sarcoglycan epsilon; minus strand). Cytogenetic location: 7q21.3.
Variant type: single nucleotide variant.
Coding change: c.557C>G on transcript NM_003919.3 (MANE Select); coding-DNA position 557, C replaced by G.
Protein change: p.Ala186Gly; replaces alanine 186 with glycine.
Molecular consequence: missense variant.
Genome position (GRCh38, 1-based): chr7:94,618,863, G>C on the plus strand (C>G on the coding strand, the complement: SGCE is on the minus strand). VCF-style: chr7-94618863-G-C. GRCh37 (hg19) VCF-style: chr7-94248175-G-C.
Other names: c.557C>G, p.Ala186Gly (NM_001099400.2, NM_001099401.2, NM_001346717.2); c.434C>G, p.Ala145Gly (NM_001301139.2, NM_001362809.2); c.665C>G, p.Ala222Gly (NM_001346713.2, NM_001346715.2); c.470C>G, p.Ala157Gly (NM_001346719.2, NM_001362807.2); c.284C>G, p.Ala95Gly (NM_001346720.2, NM_001362808.2); short protein forms A145G, A186G, A222G, A157G, A95G.
Identifiers: ClinVar variation 2910239 (VCV002910239.3), dbSNP rs2485108862, ClinGen allele CA368235584.